The following is an entry in ClinVar:

ClinVar aggregate classification (germline): Uncertain significance (1 of 4 stars; one submission).

Conditions:
Propionic acidemia (PROP). Also called: GLYCINEMIA, KETOTIC; HYPERGLYCINEMIA WITH KETOACIDOSIS AND LEUKOPENIA; KETOTIC HYPERGLYCINEMIA. Identifiers: Orphanet 35, MedGen C0268579, MONDO:0011628, OMIM 606054, HP:0003571.

Allele frequency attached by ClinVar (database versions not stated): gnomAD exomes below 0.00001; ExAC 0.00001; gnomAD 0.00001; TOPMed 0.00001.
gnomAD v4.1: 8 of 1,613,926 alleles (0.0005%); highest among the groups gnomAD compares: Admixed American, 0.01%; no homozygotes.

Submission:

Labcorp Genetics (formerly Invitae), Labcorp
Classification: Uncertain significance for Propionic acidemia. Last evaluated: 2022-02-18. Review status: criteria provided, single submitter. Criteria: Invitae Variant Classification Sherloc (09022015). Collection method: clinical testing. Allele origin: germline.
Comment: This sequence change replaces serine, which is neutral and polar, with glycine, which is neutral and non-polar, at codon 71 of the PCCB protein (p.Ser71Gly). This variant is present in population databases (rs751518896, gnomAD 0.01%). This variant has not been reported in the literature in individuals affected with PCCB-related conditions. Advanced modeling of protein sequence and biophysical properties (such as structural, functional, and spatial information, amino acid conservation, physicochemical variation, residue mobility, and thermodynamic stability) performed at Invitae indicates that this missense variant is not expected to disrupt PCCB protein function. In summary, the available evidence is currently insufficient to determine the role of this variant in disease. Therefore, it has been classified as a Variant of Uncertain Significance.

NM_000532.5(PCCB):c.211A>G (p.Ser71Gly)

Gene: PCCB (propionyl-CoA carboxylase subunit beta; plus strand). Cytogenetic location: 3q22.3.
Variant type: single nucleotide variant.
Coding change: c.211A>G on transcript NM_000532.5 (MANE Select); coding-DNA position 211, A replaced by G.
Protein change: p.Ser71Gly; replaces serine 71 with glycine.
Molecular consequence: missense variant.
Genome position (GRCh38, 1-based): chr3:136,255,883, A>G. VCF-style: chr3-136255883-A-G. GRCh37 (hg19) VCF-style: chr3-135974725-A-G.
Other names: c.211A>G, p.Ser71Gly (NM_001178014.2); short protein forms S71G.
Identifiers: ClinVar variation 2147006 (VCV002147006.1), dbSNP rs751518896, ClinGen allele CA2631642.
Genomic context (GRCh38, chr3:136,255,883, plus strand): 5'-TGACATCACTGAGTGATCTTTGTTCCATTGTAGGGAAAGCTAACAGCCAGGGAGAGGATC[A>G]GTCTCTTGCTGGACCCTGGCAGCTTTGTTGAGAGCGACATGTTTGTGGAACACAGATGTG-3'
Protein context (NP_000523.2, residues 61-81): RGKLTARERI[Ser71Gly]LLLDPGSFVE